The following is an entry in ClinVar:

ClinVar aggregate classification (germline): Likely pathogenic (1 of 4 stars; one submission).

Conditions:
Renal hypomagnesemia 5 with ocular involvement. Also called: HYPOMAGNESEMIA, FAMILIAL, WITH HYPERCALCIURIA, NEPHROCALCINOSIS, AND SEVERE OCULAR INVOLVEMENT; MACULAR COLOBOMA, BILATERAL, WITH HYPERCALCIURIA; HYPOMAGNESEMIA 5, RENAL, WITH OR WITHOUT OCULAR INVOLVEMENT; FHHNC WITH SEVERE OCULAR INVOLVEMENT. Identifiers: Orphanet 2196, MedGen C4721891, MONDO:0009548, OMIM 248190.

Submission:

Department of Endocrinology, Bangladesh Medical University
Classification: Likely pathogenic for Renal hypomagnesemia 5 with ocular involvement. Last evaluated: 2026-05-30. Review status: criteria provided, single submitter. Criteria: ACMG Guidelines, 2015. Collection method: provider interpretation. Allele origin: germline. Inheritance: Autosomal recessive inheritance. Affected: yes. Observed: 1 variant allele, 1 homozygote.
Comment: Classification upgraded from Uncertain Significance to Likely Pathogenic based on the following ACMG/AMP criteria: PM1- It is located at a critical junction between the extracellular loop 2 (ECL2) and the fourth transmembrane domain (TM4). This boundary region is critical for the protein's conformational stability and orientation within the tight junction. The majority of disease-causing CLDN19 mutations affect transmembrane domains or extracellular loops, which are essential for tight junction formation and cation selectivity. Glycine at position 162 is highly evolutionarily conserved, and substitution to cysteine introduces a bulky, charged residue with a thiol group that disrupts the critical ECL2-TM4 interface essential for claudin-19 function. PM2 — the variant is absent in gnomAD v3.1, gnomAD v2.1, TopMed, and 1000 Genomes databases. PP3 — multiple in silico prediction tools classify the variant as damaging including SIFT (damaging), LRT (damaging), CADD (28.2), EVE (0.9881), PolyPhen-2 (probably damaging), suggesting a deleterious effect on protein function. Structural modeling indicates protein destabilization - DUET Predicted Stability Change (ΔΔG): -0.332 kcal/mol (Destabilizing); SDM Predicted Stability Change (ΔΔG): -1.06 kcal/mol (Destabilizing); mCSM Predicted Stability Change (ΔΔG): -0.343 kcal/mol (Destabilizing) as well as altered surface accessibility, which are consistent with disruption of the local secondary structure at the start of the TM4 domain. PP4 — proband's phenotype of bilateral medullary nephrocalcinosis, hypomagnesemia, hypercalciuria, renal impairment, and maculopathy is highly specific for CLDN19 dysfunction.

NM_148960.3(CLDN19):c.484G>T (p.Gly162Cys)

Gene: CLDN19 (claudin 19; minus strand). Cytogenetic location: 1p34.2.
Variant type: single nucleotide variant.
Coding change: c.484G>T on transcript NM_148960.3 (MANE Select); coding-DNA position 484, G replaced by T.
Protein change: p.Gly162Cys; replaces glycine 162 with cysteine.
Molecular consequence: missense variant.
Genome position (GRCh38, 1-based): chr1:42,736,020, C>A on the plus strand (G>T on the coding strand, the complement: CLDN19 is on the minus strand). VCF-style: chr1-42736020-C-A. GRCh37 (hg19) VCF-style: chr1-43201691-C-A.
Other names: c.484G>T, p.Gly162Cys (NM_001123395.2); c.399G>T, p.Leu133Phe (NM_001185117.2); short protein forms L133F, G162C.
Identifiers: ClinVar variation 4845192 (VCV004845192.2).
Genomic context (GRCh38, chr1:42,736,020, plus strand): 5'-GGAAGGAGCCGCCCAGCACGGCCAGGCCAGCTGAGGCCCAGCCCACGAACAGGGCTGGGC[C>A]AAATTCATACCTGCAAGGGGTAGGGAGAGTGGCATCAGGTGTGGCTGCCGTCTCAGGTTG-3'
Protein context (NP_683763.2, residues 152-172): STPVNARYEF[Gly162Cys]PALFVGWASA